The following is an entry in ClinVar:

NM_000336.3(SCNN1B):c.1693C>T (p.Arg565Trp)

Gene: SCNN1B (sodium channel epithelial 1 subunit beta; plus strand). Cytogenetic location: 16p12.2.
Variant type: single nucleotide variant.
Coding change: c.1693C>T on transcript NM_000336.3 (MANE Select); coding-DNA position 1693, C replaced by T.
Protein change: p.Arg565Trp; replaces arginine 565 with tryptophan.
Molecular consequence: missense variant.
Genome position (GRCh38, 1-based): chr16:23,380,571, C>T. VCF-style: chr16-23380571-C-T. GRCh37 (hg19) VCF-style: chr16-23391892-C-T.
Other names: c.1585C>T, p.Arg529Trp (NM_001410900.1); short protein forms R529W, R565W.
Identifiers: ClinVar variation 2417977 (VCV002417977.6), dbSNP rs766531294, ClinGen allele CA7960610.

ClinVar aggregate classification (germline): Uncertain significance (1 of 4 stars; one submission).

Allele frequency attached by ClinVar (database versions not stated): gnomAD 0.00004; gnomAD exomes 0.00004; TOPMed 0.00005.
gnomAD v4.1: 67 of 1,614,058 alleles (0.0042%); highest among the groups gnomAD compares: Non-Finnish European, 0.0054%; no homozygotes.

Submission:

Labcorp Genetics (formerly Invitae), Labcorp
Classification: Uncertain significance. Last evaluated: 2022-01-21. Review status: criteria provided, single submitter. Criteria: Invitae Variant Classification Sherloc (09022015). Collection method: clinical testing. Allele origin: germline.
Comment: This sequence change replaces arginine, which is basic and polar, with tryptophan, which is neutral and slightly polar, at codon 565 of the SCNN1B protein (p.Arg565Trp). This variant is present in population databases (rs766531294, gnomAD 0.008%). This variant has not been reported in the literature in individuals affected with SCNN1B-related conditions. Algorithms developed to predict the effect of missense changes on protein structure and function are either unavailable or do not agree on the potential impact of this missense change (SIFT: "Deleterious"; PolyPhen-2: "Possibly Damaging"; Align-GVGD: "Class C0"). In summary, the available evidence is currently insufficient to determine the role of this variant in disease. Therefore, it has been classified as a Variant of Uncertain Significance.